The following is an entry in ClinVar:

ClinVar aggregate classification (germline): Uncertain significance. Review status: criteria provided, single submitter (1 of 4 stars). 2 submissions from 2 submitters: Uncertain significance (1). 1 of the submissions does not count toward it. Last evaluated 2021-08-31.

Conditions:
Walker-Warburg congenital muscular dystrophy. Also called: Muscular dystrophy-dystroglycanopathy, type A; Walker-Warburg syndrome. Identifiers: Orphanet 899, MedGen C0265221, MONDO:0000171.
Autosomal recessive limb-girdle muscular dystrophy type 2I. Also called: MUSCULAR DYSTROPHY-DYSTROGLYCANOPATHY (LIMB-GIRDLE), TYPE C, 5; MUSCULAR DYSTROPHY, LIMB-GIRDLE, TYPE 2I; MUSCULAR DYSTROPHY-DYSTROGLYCANOPATHY, LIMB-GIRDLE, FRKP-RELATED. Identifiers: Orphanet 34515, MedGen C1846672, MONDO:0011787, OMIM 607155.

Allele frequency attached by ClinVar (database versions not stated): gnomAD exomes below 0.00001; gnomAD 0.00001.

Submissions (2):

Labcorp Genetics (formerly Invitae), Labcorp
Classification: Uncertain significance for Walker-Warburg congenital muscular dystrophy. Last evaluated: 2021-08-31. Review status: criteria provided, single submitter. Criteria: Invitae Variant Classification Sherloc (09022015). Collection method: clinical testing. Allele origin: germline.
Comment: This sequence change replaces glutamic acid with glycine at codon 479 of the FKRP protein (p.Glu479Gly). The glutamic acid residue is highly conserved and there is a moderate physicochemical difference between glutamic acid and glycine. This variant is not present in population databases (ExAC no frequency). This variant has not been reported in the literature in individuals affected with FKRP-related conditions. Algorithms developed to predict the effect of missense changes on protein structure and function are either unavailable or do not agree on the potential impact of this missense change (SIFT: "Deleterious"; PolyPhen-2: "Probably Damaging"; Align-GVGD: "Class C0"). In summary, the available evidence is currently insufficient to determine the role of this variant in disease. Therefore, it has been classified as a Variant of Uncertain Significance.

Natera, Inc.
Classification: Uncertain significance for Limb-girdle muscular dystrophy type 2I. Last evaluated: 2020-09-11. Review status: no assertion criteria provided. Collection method: clinical testing. Allele origin: germline. Not counted in ClinVar's aggregate classification.

NM_024301.5(FKRP):c.1436A>G (p.Glu479Gly)

Gene: FKRP (fukutin related protein; plus strand). Cytogenetic location: 19q13.32.
Variant type: single nucleotide variant.
Coding change: c.1436A>G on transcript NM_024301.5 (MANE Select); coding-DNA position 1436, A replaced by G.
Protein change: p.Glu479Gly; replaces glutamic acid 479 with glycine.
Molecular consequence: missense variant.
Genome position (GRCh38, 1-based): chr19:46,756,886, A>G. VCF-style: chr19-46756886-A-G. GRCh37 (hg19) VCF-style: chr19-47260143-A-G.
Other names: c.1436A>G, p.Glu479Gly (NM_001039885.3); short protein forms E479G.
Identifiers: ClinVar variation 459230 (VCV000459230.8), dbSNP rs1555739297, ClinGen allele CA406497363.